The following is an entry in ClinVar:

ClinVar aggregate classification (germline): Uncertain significance (1 of 4 stars; one submission).

Submission:

GeneDx
Classification: Uncertain significance. Last evaluated: 2024-12-13. Review status: criteria provided, single submitter. Criteria: GeneDx Variant Classification Process June 2021. Collection method: clinical testing. Allele origin: germline. Affected: yes.
Comment: Not observed at significant frequency in large population cohorts (gnomAD); In silico analysis indicates that this missense variant does not alter protein structure/function; Has not been previously published as pathogenic or benign to our knowledge

NM_000834.5(GRIN2B):c.4098C>A (p.Asn1366Lys)

Gene: GRIN2B (glutamate ionotropic receptor NMDA type subunit 2B; minus strand). Cytogenetic location: 12p13.1.
Variant type: single nucleotide variant.
Coding change: c.4098C>A on transcript NM_000834.5 (MANE Select); coding-DNA position 4098, C replaced by A.
Protein change: p.Asn1366Lys; replaces asparagine 1366 with lysine.
Molecular consequence: missense variant.
Genome position (GRCh38, 1-based): chr12:13,563,140, G>T on the plus strand (C>A on the coding strand, the complement: GRIN2B is on the minus strand). VCF-style: chr12-13563140-G-T. GRCh37 (hg19) VCF-style: chr12-13716074-G-T.
Other names: c.4098C>A, p.Asn1366Lys (NM_001413992.1); short protein forms N1366K.
Identifiers: ClinVar variation 3903118 (VCV003903118.1).